The following is an entry in ClinVar:

ClinVar aggregate classification (germline): Uncertain significance (1 of 4 stars; one submission).

Submission:

Ambry Genetics
Classification: Uncertain significance. Last evaluated: 2025-03-23. Review status: criteria provided, single submitter. Criteria: Ambry Variant Classification Scheme 2023. Collection method: clinical testing. Allele origin: germline.
Comment: The p.F126L variant (also known as c.378C>G), located in coding exon 4 of the PDLIM3 gene, results from a C to G substitution at nucleotide position 378. The phenylalanine at codon 126 is replaced by leucine, an amino acid with highly similar properties. This amino acid position is conserved. In addition, the in silico prediction for this alteration is inconclusive. Based on the available evidence, the clinical significance of this variant remains unclear.

NM_014476.6(PDLIM3):c.378C>G (p.Phe126Leu)

Genes: PDLIM3 (PDZ and LIM domain 3; minus strand), LOC126807246 (BRD4-independent group 4 enhancer GRCh37_chr4:186434842-186436041; plus strand). Cytogenetic location: 4q35.1.
Variant type: single nucleotide variant.
Coding change: c.378C>G on transcript NM_014476.6 (MANE Select); coding-DNA position 378, C replaced by G.
Protein change: p.Phe126Leu; replaces phenylalanine 126 with leucine.
Molecular consequence: missense variant. On other transcripts: intron variant (1).
Genome position (GRCh38, 1-based): chr4:185,514,290, G>C on the plus strand (C>G on the coding strand, the complement: PDLIM3 is on the minus strand). VCF-style: chr4-185514290-G-C. GRCh37 (hg19) VCF-style: chr4-186435444-G-C.
Other names: c.378C>G, p.Phe126Leu (NM_001257962.2); c.141C>G, p.Phe47Leu (NM_001257963.2); c.518+413C>G (NM_001114107.5); short protein forms F47L, F126L.
Identifiers: ClinVar variation 3930384 (VCV003930384.1).
Genomic context (GRCh38, chr4:185,514,290, plus strand): 5'-AAGCATGCACTGCAAACTCCACAGTCTCAGCGCTTATGACCTGCTTCGGCCCGGGATCAC[G>C]AAAGGTTTGGGCCGAATATTATGCTTGTGTTCAAAGTAGTTCCCGTCCTGTGAAAACAAA-3'
Protein context (NP_055291.2, residues 116-136): EHKHNIRPKP[Phe126Leu]VIPGRSSGCS